The following is an entry in ClinVar:

ClinVar aggregate classification (germline): Uncertain significance (1 of 4 stars; one submission).

Submission:

GeneDx
Classification: Uncertain significance. Last evaluated: 2024-10-28. Review status: criteria provided, single submitter. Criteria: GeneDx Variant Classification Process June 2021. Collection method: clinical testing. Allele origin: germline. Affected: yes.
Comment: Not observed at significant frequency in large population cohorts (gnomAD); In silico analysis supports that this missense variant has a deleterious effect on protein structure/function; Has not been previously published as pathogenic or benign to our knowledge

NM_080473.5(GATA5):c.701C>T (p.Ser234Phe)

Gene: GATA5 (GATA binding protein 5; minus strand). Cytogenetic location: 20q13.33.
Variant type: single nucleotide variant.
Coding change: c.701C>T on transcript NM_080473.5 (MANE Select); coding-DNA position 701, C replaced by T.
Protein change: p.Ser234Phe; replaces serine 234 with phenylalanine.
Molecular consequence: missense variant.
Genome position (GRCh38, 1-based): chr20:62,466,550, G>A on the plus strand (C>T on the coding strand, the complement: GATA5 is on the minus strand). VCF-style: chr20-62466550-G-A. GRCh37 (hg19) VCF-style: chr20-61041606-G-A.
Other names: short protein forms S234F.
Identifiers: ClinVar variation 3893655 (VCV003893655.1).